The following is an entry in ClinVar:

ClinVar aggregate classification (germline): Likely benign (1 of 4 stars; one submission).

Allele frequency attached by ClinVar (database versions not stated): gnomAD exomes below 0.00001.
gnomAD v4.1: 1 of 1,614,220 alleles (0.000062%); highest among the groups gnomAD compares: Non-Finnish European, 0.000085%; no homozygotes.

Submission:

GeneDx
Classification: Likely benign. Last evaluated: 2017-07-10. Review status: criteria provided, single submitter. Criteria: GeneDx Variant Classification (06012015). Collection method: clinical testing. Allele origin: germline. Affected: yes.
Comment: This variant is considered likely benign or benign based on one or more of the following criteria: it is a conservative change, it occurs at a poorly conserved position in the protein, it is predicted to be benign by multiple in silico algorithms, and/or has population frequency not consistent with disease.

NM_000748.3(CHRNB2):c.841C>T (p.Leu281=)

Gene: CHRNB2 (cholinergic receptor nicotinic beta 2 subunit; plus strand). Cytogenetic location: 1q21.3.
Variant type: single nucleotide variant.
Coding change: c.841C>T on transcript NM_000748.3 (MANE Select); coding-DNA position 841, C replaced by T.
Protein change: p.Leu281=; no amino-acid change (leucine 281 retained).
Molecular consequence: synonymous variant.
Genome position (GRCh38, 1-based): chr1:154,571,664, C>T. VCF-style: chr1-154571664-C-T. GRCh37 (hg19) VCF-style: chr1-154544140-C-T.
Identifiers: ClinVar variation 510649 (VCV000510649.1), dbSNP rs1553204296, ClinGen allele CA421231185.